The following is an entry in ClinVar:

NM_203447.4(DOCK8):c.305C>G (p.Thr102Ser)

Genes: DOCK8 (dedicator of cytokinesis 8; plus strand), LOC126860552 (BRD4-independent group 4 enhancer GRCh37_chr9:285795-286994; plus strand). Cytogenetic location: 9p24.3.
Variant type: single nucleotide variant.
Coding change: c.305C>G on transcript NM_203447.4 (MANE Select); coding-DNA position 305, C replaced by G.
Protein change: p.Thr102Ser; replaces threonine 102 with serine.
Molecular consequence: missense variant.
Genome position (GRCh38, 1-based): chr9:286,609, C>G. VCF-style: chr9-286609-C-G. GRCh37 (hg19) VCF-style: chr9-286609-C-G.
Other names: c.101C>G, p.Thr34Ser (NM_001190458.2, NM_001193536.2); short protein forms T102S, T34S.
Identifiers: ClinVar variation 1484657 (VCV001484657.8), dbSNP rs375895643, ClinGen allele CA4957161.

ClinVar aggregate classification (germline): Uncertain significance (1 of 4 stars; one submission).

Conditions:
Combined immunodeficiency due to DOCK8 deficiency (HIES2). Also called: HIES autosomal recessive; DOCK8 Deficiency; Hyper-IgE recurrent infection syndrome, autosomal recessive; HYPER-IgE SYNDROME 2, AUTOSOMAL RECESSIVE, WITH RECURRENT INFECTIONS; HYPER-IgE RECURRENT INFECTION SYNDROME 2, AUTOSOMAL RECESSIVE. Identifiers: Orphanet 217390, MedGen C4722305, MONDO:0009478, OMIM 243700.

Allele frequency attached by ClinVar (database versions not stated): gnomAD exomes below 0.00001; ExAC 0.00001; gnomAD 0.00001; 1000 Genomes Project 30x 0.00016; 1000 Genomes Project 0.00020.
gnomAD v4.1: 6 of 1,613,940 alleles (0.00037%); highest among the groups gnomAD compares: African/African-American, 0.0053%; no homozygotes.

Submission:

Labcorp Genetics (formerly Invitae), Labcorp
Classification: Uncertain significance for Combined immunodeficiency due to DOCK8 deficiency. Last evaluated: 2021-02-28. Review status: criteria provided, single submitter. Criteria: Invitae Variant Classification Sherloc (09022015). Collection method: clinical testing. Allele origin: germline.
Comment: This sequence change replaces threonine with serine at codon 102 of the DOCK8 protein (p.Thr102Ser). The threonine residue is highly conserved and there is a small physicochemical difference between threonine and serine. This variant is present in population databases (rs375895643, ExAC 0.01%). This variant has not been reported in the literature in individuals with DOCK8-related conditions. Algorithms developed to predict the effect of missense changes on protein structure and function are either unavailable or do not agree on the potential impact of this missense change (SIFT: "Deleterious"; PolyPhen-2: "Probably Damaging"; Align-GVGD: "Class C0"). In summary, the available evidence is currently insufficient to determine the role of this variant in disease. Therefore, it has been classified as a Variant of Uncertain Significance.